The following is an entry in ClinVar:

ClinVar aggregate classification (germline): Pathogenic/Likely pathogenic. Review status: criteria provided, multiple submitters, no conflicts (2 of 4 stars). 3 submissions from 3 submitters: Pathogenic (2); Likely pathogenic (1). Last evaluated 2025-01-17.

Conditions:
Hereditary cancer-predisposing syndrome. Also called: Hereditary Cancer Syndrome; Hereditary neoplastic syndrome; Neoplastic Syndromes, Hereditary; Tumor predisposition. Identifiers: Orphanet 140162, MedGen C0027672, MeSH D009386, MONDO:0015356.
Retinoblastoma (RB1). Also called: RETINOBLASTOMA, SOMATIC. Identifiers: Orphanet 790, MedGen C0035335, MeSH D012175, MONDO:0008380, OMIM 180200, HP:0009919. Disease mechanism: loss of function. Inheritance: Both sporadic and heritable forms are tested..

Submissions (3):

Ambry Genetics
Classification: Pathogenic for Hereditary cancer-predisposing syndrome. Last evaluated: 2025-01-17. Review status: criteria provided, single submitter. Criteria: Ambry Variant Classification Scheme 2023. Collection method: clinical testing. Allele origin: germline.
Comment: The c.1963dupT pathogenic mutation, located in coding exon 20 of the RB1 gene, results from a duplication of T at nucleotide position 1963, causing a translational frameshift with a predicted alternate stop codon (p.Y655Lfs*13). This variant is considered to be rare based on population cohorts in the Genome Aggregation Database (gnomAD). This alteration is expected to result in loss of function by premature protein truncation or nonsense-mediated mRNA decay. As such, this alteration is interpreted as a disease-causing mutation.

Genetic Diagnostic Laboratory, University of Pennsylvania School of Medicine
Classification: Pathogenic for Retinoblastoma. Last evaluated: 2024-05-20. Review status: criteria provided, single submitter. Criteria: ACMG Guidelines, 2015. Collection method: clinical testing. Allele origin: germline. Affected: yes. Observed: 1 variant allele.
Comment: Case and Pedigree Information: BILATERAL CASES:1, UNILATERAL CASES:0, TOTAL CASES:1, PEDIGREES:1. ACMG Codes Applied:PVS1, PM2

Sema4
Classification: Likely pathogenic for Hereditary cancer-predisposing syndrome. Last evaluated: 2021-08-23. Review status: criteria provided, single submitter. Criteria: Sema4 Curation Guidelines. Collection method: curation. Allele origin: germline.
Comment: The RB1 c.1963dupT (p.Y655LfsX13) variant has not been reported in the literature to our knowledge. This variant causes a frameshift at amino acid 655 that results in premature termination 13 amino acids downstream. At this location, this is predicted to cause nonsense-mediated decay and result in an absent protein (loss of function). This variant is not reported in the population database Genome Aggregation Database (PMID: 32461654). This variant has not been reported in ClinVar. Based on the current evidence available, this variant is interpreted as likely pathogenic.

NM_000321.3(RB1):c.1963dup (p.Tyr655fs)

Gene: RB1 (RB transcriptional corepressor 1; plus strand). Cytogenetic location: 13q14.2.
Variant type: Duplication.
Coding change: c.1963dup on transcript NM_000321.3 (MANE Select); coding-DNA position 1963, one base duplicated (T; older notation c.1963dupT).
Protein change: p.Tyr655fs; shifts the reading frame from tyrosine 655.
Molecular consequence: frameshift variant.
Genome position (GRCh38, 1-based): chr13:48,459,690, T duplicated. VCF-style (leftmost placement, unchanged base first): chr13-48459689-G-GT. GRCh37 (hg19) VCF-style: chr13-49033825-G-GT.
Other names: short protein forms Y655fs.
Identifiers: ClinVar variation 1692379 (VCV001692379.3), dbSNP rs2138335800, ClinGen allele CA2573149589.